The following is an entry in ClinVar:

NM_024426.6(WT1):c.232G>T (p.Val78Leu)

Genes: WT1 (WT1 transcription factor; minus strand), LOC107982234 (WT1/WT1-AS bi-directional promoter region; plus strand). Cytogenetic location: 11p13.
Variant type: single nucleotide variant.
Coding change: c.232G>T on transcript NM_024426.6 (MANE Select); coding-DNA position 232, G replaced by T.
Protein change: p.Val78Leu; replaces valine 78 with leucine.
Molecular consequence: missense variant. On other transcripts: non-coding transcript variant (2).
Genome position (GRCh38, 1-based): chr11:32,435,129, C>A on the plus strand (G>T on the coding strand, the complement: WT1 is on the minus strand). VCF-style: chr11-32435129-C-A. GRCh37 (hg19) VCF-style: chr11-32456675-C-A.
Other names: c.232G>T, p.Val78Leu (NM_000378.6, NM_001407044.1, NM_001407045.1 and 6 more transcripts); c.217G>T, p.Val73Leu (NM_024425.2); short protein forms V73L, V78L.
Identifiers: ClinVar variation 3026662 (VCV003026662.22), dbSNP rs1590410789, ClinGen allele CA379966104.

ClinVar aggregate classification (germline): Uncertain significance (1 of 4 stars; one submission).

gnomAD v4.1: 1 of 1,518,314 alleles (0.000066%); highest among the groups gnomAD compares: South Asian, 0.0012%; no homozygotes.

Submission:

CeGaT Center for Human Genetics Tuebingen
Classification: Uncertain significance. Last evaluated: 2023-12-01. Review status: criteria provided, single submitter. Criteria: CeGaT Center For Human Genetics Tuebingen Variant Classification Criteria Version 2. Collection method: clinical testing. Allele origin: germline. Affected: yes. Observed: 1 variant allele.
Comment: WT1: PM2, PP3